The following is an entry in ClinVar:

ClinVar aggregate classification (germline): Uncertain significance. Review status: criteria provided, multiple submitters, no conflicts (2 of 4 stars). 2 submissions from 2 submitters: Uncertain significance (2). Last evaluated 2023-03-02.

Allele frequency attached by ClinVar (database versions not stated): gnomAD 0.00002 and 0.00003; TOPMed 0.00003; ExAC 0.00005; gnomAD exomes 0.00005 and 0.00006; ESP Exome Variant Server 0.00008.

Submissions (2):

Blueprint Genetics
Classification: Uncertain significance. Last evaluated: 2023-03-02. Review status: criteria provided, single submitter. Criteria: ACMG Guidelines, 2015. Collection method: clinical testing. Allele origin: germline.

Labcorp Genetics (formerly Invitae), Labcorp
Classification: Uncertain significance. Last evaluated: 2022-10-10. Review status: criteria provided, single submitter. Criteria: Invitae Variant Classification Sherloc (09022015). Collection method: clinical testing. Allele origin: germline.
Comment: This sequence change replaces arginine, which is basic and polar, with cysteine, which is neutral and slightly polar, at codon 75 of the ADAMTS10 protein (p.Arg75Cys). This variant is present in population databases (rs142804506, gnomAD 0.02%). This variant has not been reported in the literature in individuals affected with ADAMTS10-related conditions. ClinVar contains an entry for this variant (Variation ID: 1399480). Algorithms developed to predict the effect of missense changes on protein structure and function are either unavailable or do not agree on the potential impact of this missense change (SIFT: "Deleterious"; PolyPhen-2: "Possibly Damaging"; Align-GVGD: "Class C15"). In summary, the available evidence is currently insufficient to determine the role of this variant in disease. Therefore, it has been classified as a Variant of Uncertain Significance.

NM_030957.4(ADAMTS10):c.223C>T (p.Arg75Cys)

Gene: ADAMTS10 (ADAM metallopeptidase with thrombospondin type 1 motif 10; minus strand). Cytogenetic location: 19p13.2.
Variant type: single nucleotide variant.
Coding change: c.223C>T on transcript NM_030957.4 (MANE Select); coding-DNA position 223, C replaced by T.
Protein change: p.Arg75Cys; replaces arginine 75 with cysteine.
Molecular consequence: missense variant.
Genome position (GRCh38, 1-based): chr19:8,605,224, G>A on the plus strand (C>T on the coding strand, the complement: ADAMTS10 is on the minus strand). VCF-style: chr19-8605224-G-A. GRCh37 (hg19) VCF-style: chr19-8670109-G-A.
Other names: short protein forms R75C.
Identifiers: ClinVar variation 1399480 (VCV001399480.6), dbSNP rs142804506, ClinGen allele CA9160896.
Genomic context (GRCh38, chr19:8,605,224, plus strand): 5'-AGCTGCGGGTCAGGTTCAGCAGGAAGTGGGTGCTGGGCGAGGCCACTTTGTAGAAGAGGC[G>A]GGACTCGGCTGTGGCCCCCGTGCCGCGGCGCTGCCTCCGGGGAGGAGGTGGCGAGAAGGC-3'
Protein context (NP_112219.3, residues 65-85): RRGTGATAES[Arg75Cys]LFYKVASPST